The following is an entry in ClinVar:

ClinVar aggregate classification (germline): Uncertain significance. Review status: criteria provided, single submitter (1 of 4 stars). 2 submissions from 2 submitters: Uncertain significance (1). 1 of the submissions does not count toward it. Last evaluated 2026-04-22.

Conditions:
PHIP-related disorder. Also called: PHIP-related condition; PHIP-related disorders.

Submissions (2):

GeneDx
Classification: Uncertain significance. Last evaluated: 2026-04-22. Review status: criteria provided, single submitter. Criteria: GeneDx Variant Classification Process June 2021. Collection method: clinical testing. Allele origin: germline.
Comment: Not observed at significant frequency in large population cohorts (gnomAD); In silico analysis supports that this missense variant has a deleterious effect on protein structure/function; In silico analysis supports a deleterious effect on splicing; Has not been previously published as pathogenic or benign to our knowledge

PreventionGenetics, part of Exact Sciences
Classification: Uncertain significance for PHIP-related condition. Last evaluated: 2023-12-07. Review status: no assertion criteria provided. Collection method: clinical testing. Allele origin: germline. Not counted in ClinVar's aggregate classification.
Comment: The PHIP c.997G>A variant is predicted to result in the amino acid substitution p.Gly333Arg. To our knowledge, this variant has not been reported in the literature or in a large population database, indicating this variant is rare. At this time, the clinical significance of this variant is uncertain due to the absence of conclusive functional and genetic evidence.

NM_017934.7(PHIP):c.997G>A (p.Gly333Arg)

Gene: PHIP (PHIP subunit of CUL4-Ring ligase complex; minus strand). Cytogenetic location: 6q14.1.
Variant type: single nucleotide variant.
Coding change: c.997G>A on transcript NM_017934.7 (MANE Select); coding-DNA position 997, G replaced by A.
Protein change: p.Gly333Arg; replaces glycine 333 with arginine.
Molecular consequence: missense variant.
Genome position (GRCh38, 1-based): chr6:79,017,581, C>T on the plus strand (G>A on the coding strand, the complement: PHIP is on the minus strand). VCF-style: chr6-79017581-C-T. GRCh37 (hg19) VCF-style: chr6-79727298-C-T.
Other names: c.997G>A (NM_017934.5); short protein forms G333R.
Identifiers: ClinVar variation 3348576 (VCV003348576.2).